The following is an entry in ClinVar:

ClinVar aggregate classification (germline): Uncertain significance (1 of 4 stars; one submission).

Submission:

Labcorp Genetics (formerly Invitae), Labcorp
Classification: Uncertain significance. Last evaluated: 2025-07-31. Review status: criteria provided, single submitter. Criteria: Invitae Variant Classification Sherloc (09022015). Collection method: clinical testing. Allele origin: germline.
Comment: This sequence change replaces isoleucine, which is neutral and non-polar, with serine, which is neutral and polar, at codon 1640 of the USH2A protein (p.Ile1640Ser). This variant is not present in population databases (gnomAD no frequency). This variant has not been reported in the literature in individuals affected with USH2A-related conditions. ClinVar contains an entry for this variant (Variation ID: 2877036). Invitae Evidence Modeling of protein sequence and biophysical properties (such as structural, functional, and spatial information, amino acid conservation, physicochemical variation, residue mobility, and thermodynamic stability) has been performed for this missense variant. However, the output from this modeling did not meet the statistical confidence thresholds required to predict the impact of this variant on USH2A protein function. In summary, the available evidence is currently insufficient to determine the role of this variant in disease. Therefore, it has been classified as a Variant of Uncertain Significance.

NM_206933.4(USH2A):c.4919T>G (p.Ile1640Ser)

Genes: USH2A (usherin; minus strand), USH2A-AS2 (USH2A antisense RNA 2; plus strand). Cytogenetic location: 1q41.
Variant type: single nucleotide variant.
Coding change: c.4919T>G on transcript NM_206933.4 (MANE Select); coding-DNA position 4919, T replaced by G.
Protein change: p.Ile1640Ser; replaces isoleucine 1640 with serine.
Molecular consequence: missense variant. On other transcripts: non-coding transcript variant (2).
Genome position (GRCh38, 1-based): chr1:216,086,787, A>C on the plus strand (T>G on the coding strand, the complement: USH2A is on the minus strand). VCF-style: chr1-216086787-A-C. GRCh37 (hg19) VCF-style: chr1-216260129-A-C.
Other names: short protein forms I1640S.
Identifiers: ClinVar variation 2877036 (VCV002877036.3), dbSNP rs2102563226, ClinGen allele CA344859900.
Genomic context (GRCh38, chr1:216,086,787, plus strand): 5'-TTCCTGAGGATGGTATAACTTCGCGGGAGCCCTCCCAGAAAGACTCCTGTGTTATCTCCA[A>C]TAACAGTACTACCATTCAGGATGGCAGAGGAACCTAGAGAAGAGGAGATGAGAAATACAC-3'
Protein context (NP_996816.3, residues 1630-1650): SSAILNGSTV[Ile1640Ser]GDNTGVFLGG